The following is an entry in ClinVar:

ClinVar aggregate classification (germline): Pathogenic/Likely pathogenic. Review status: criteria provided, multiple submitters, no conflicts (2 of 4 stars). 3 submissions from 3 submitters: Pathogenic (2); Likely pathogenic (1). Last evaluated 2026-01-09.

Conditions:
Meckel syndrome, type 11 (MKS11). Identifiers: Orphanet 564, MedGen C3809352, MONDO:0014164, OMIM 615397.
Joubert syndrome 20 (JBTS20). Identifiers: Orphanet 475, MedGen C3554235, MONDO:0013994, OMIM 614970.

Allele frequency attached by ClinVar (database versions not stated): gnomAD 0.00001 and 0.00002; gnomAD exomes 0.00001 and 0.00004; TOPMed 0.00002; ExAC 0.00003; 1000 Genomes Project 0.00020; 1000 Genomes Project 30x 0.00031.
gnomAD v4.1: 11 of 1,612,460 alleles (0.00068%); highest among the groups gnomAD compares: African/African-American, 0.0027%; no homozygotes.

Submissions (3):

Labcorp Genetics (formerly Invitae), Labcorp
Classification: Pathogenic for Joubert syndrome 20; Meckel syndrome, type 11. Last evaluated: 2026-01-09. Review status: criteria provided, single submitter. Criteria: Invitae Variant Classification Sherloc (09022015). Collection method: clinical testing. Allele origin: germline.
Comment: This sequence change creates a premature translational stop signal (p.Arg245*) in the TMEM231 gene. It is expected to result in an absent or disrupted protein product. Loss-of-function variants in TMEM231 are known to be pathogenic (PMID: 23012439, 23349226). This variant is present in population databases (rs543122080, gnomAD 0.01%). This premature translational stop signal has been observed in individual(s) with clinical features of Joubert syndrome (PMID: 32386258). This variant is also known as c.661C>T (p.R221X). ClinVar contains an entry for this variant (Variation ID: 504364). For these reasons, this variant has been classified as Pathogenic.

Fulgent Genetics
Classification: Pathogenic for Joubert syndrome 20; Meckel syndrome, type 11. Last evaluated: 2024-02-02. Review status: criteria provided, single submitter. Criteria: ACMG Guidelines, 2015. Collection method: clinical testing. Allele origin: germline.

GeneDx
Classification: Likely pathogenic. Last evaluated: 2023-12-29. Review status: criteria provided, single submitter. Criteria: GeneDx Variant Classification Process June 2021. Collection method: clinical testing. Allele origin: germline. Affected: yes.
Comment: Reported previously in the compound heterozygous state in a fetus with increased nuchal translucency, Dandy-Walker malformation, enlarged kidneys, and oligohydramnios (PMID: 36307859, 32386258, 32668055); Nonsense variant predicted to result in protein truncation or nonsense mediated decay in a gene for which loss of function is a known mechanism of disease; Not observed at significant frequency in large population cohorts (gnomAD); Also known as p.R221X; This variant is associated with the following publications: (PMID: 32386258, 36307859, 32668055)

Literature cited by the submitters: PubMed 23012439 (cited by Labcorp Genetics (formerly Invitae), Labcorp); PubMed 23349226 (cited by Labcorp Genetics (formerly Invitae), Labcorp); PubMed 32386258 (cited by Labcorp Genetics (formerly Invitae), Labcorp).

NM_001077418.3(TMEM231):c.574C>T (p.Arg192Ter)

Gene: TMEM231 (transmembrane protein 231; minus strand). Cytogenetic location: 16q23.1.
Variant type: single nucleotide variant.
Coding change: c.574C>T on transcript NM_001077418.3 (MANE Select); coding-DNA position 574, C replaced by T.
Protein change: p.Arg192Ter; replaces arginine 192 with a stop codon.
Molecular consequence: nonsense. On other transcripts: non-coding transcript variant (1).
Genome position (GRCh38, 1-based): chr16:75,545,360, G>A on the plus strand (C>T on the coding strand, the complement: TMEM231 is on the minus strand). VCF-style: chr16-75545360-G-A. GRCh37 (hg19) VCF-style: chr16-75579258-G-A.
Other names: c.733C>T, p.Arg245Ter (NM_001077416.2); short protein forms R245*, R192*.
Identifiers: ClinVar variation 504364 (VCV000504364.9), dbSNP rs543122080, ClinGen allele CA8176153.